The following is an entry in ClinVar:

NM_012254.3(SLC27A5):c.937C>T (p.Leu313=)

Gene: SLC27A5 (solute carrier family 27 member 5; minus strand). Cytogenetic location: 19q13.43.
Variant type: single nucleotide variant.
Coding change: c.937C>T on transcript NM_012254.3 (MANE Select); coding-DNA position 937, C replaced by T.
Protein change: p.Leu313=; no amino-acid change (leucine 313 retained).
Molecular consequence: synonymous variant.
Genome position (GRCh38, 1-based): chr19:58,509,967, G>A on the plus strand (C>T on the coding strand, the complement: SLC27A5 is on the minus strand). VCF-style: chr19-58509967-G-A. GRCh37 (hg19) VCF-style: chr19-59021334-G-A.
Other names: c.685C>T, p.Leu229= (NM_001321196.2); c.937C>T (NM_012254.2).
Identifiers: ClinVar variation 289829 (VCV000289829.11), dbSNP rs143272701, ClinGen allele CA9718147.

ClinVar aggregate classification (germline): Conflicting classifications of pathogenicity. Review status: criteria provided, conflicting classifications (1 of 4 stars). 4 submissions from 4 submitters: Uncertain significance (2); Benign (1). 1 of the submissions does not count toward it. Last evaluated 2026-01-14.

Conditions:
SLC27A5-related disorder. Also called: SLC27A5-related condition.

Allele frequency attached by ClinVar (database versions not stated): 1000 Genomes Project 0.00060; gnomAD exomes 0.00117 and 0.00124; ESP Exome Variant Server 0.00046; gnomAD 0.00111 and 0.00109; ExAC 0.00114; 1000 Genomes Project 30x 0.00047; TOPMed 0.00126.
gnomAD v4.1: 1,988 of 1,614,042 alleles (0.12%); highest among the groups gnomAD compares: Middle Eastern, 0.16%; 3 homozygotes.

Submissions (4):

Labcorp Genetics (formerly Invitae), Labcorp
Classification: Benign. Last evaluated: 2026-01-14. Review status: criteria provided, single submitter. Criteria: Invitae Variant Classification Sherloc (09022015). Collection method: clinical testing. Allele origin: germline.

Eurofins Ntd Llc (ga)
Classification: Uncertain significance. Last evaluated: 2018-07-17. Review status: criteria provided, single submitter. Criteria: EGL ClinVar v180209 classification definitions. Collection method: clinical testing. Allele origin: germline. Observed: 3 variant alleles, 3 heterozygotes.

Breakthrough Genomics
Classification: Uncertain significance. Review status: criteria provided, single submitter. Criteria: ACMG Guidelines, 2015. Collection method: not provided. Allele origin: germline. Inheritance: Autosomal dominant inheritance. Affected: yes.

PreventionGenetics, part of Exact Sciences
Classification: Likely benign for SLC27A5-related condition. Last evaluated: 2021-06-21. Review status: no assertion criteria provided. Collection method: clinical testing. Allele origin: germline. Not counted in ClinVar's aggregate classification.
Comment: This variant is classified as likely benign based on ACMG/AMP sequence variant interpretation guidelines (Richards et al. 2015 PMID: 25741868, with internal and published modifications).